The following is an entry in ClinVar:

ClinVar aggregate classification (germline): Pathogenic. Review status: criteria provided, multiple submitters, no conflicts (2 of 4 stars). 2 submissions from 2 submitters: Pathogenic (2). Last evaluated 2024-11-08.

Conditions:
Hereditary cancer-predisposing syndrome. Also called: Neoplastic Syndromes, Hereditary; Tumor predisposition; Hereditary neoplastic syndrome; Hereditary Cancer Syndrome. Identifiers: Orphanet 140162, MedGen C0027672, MeSH D009386, MONDO:0015356.
Familial cancer of breast. Also called: BREAST CANCER, FAMILIAL; Hereditary breast cancer; hereditary breast carcinoma. Identifiers: Orphanet 227535, MedGen C0346153, MONDO:0016419, OMIM 114480. Disease mechanism: loss of function.

Submissions (2):

Ambry Genetics
Classification: Pathogenic for Hereditary cancer-predisposing syndrome. Last evaluated: 2024-11-08. Review status: criteria provided, single submitter. Criteria: Ambry Variant Classification Scheme 2023. Collection method: clinical testing. Allele origin: germline.
Comment: The p.S1878* pathogenic mutation (also known as c.5633C>A), located in coding exon 36 of the ATM gene, results from a C to A substitution at nucleotide position 5633. This changes the amino acid from a serine to a stop codon within coding exon 36. This variant is considered to be rare based on population cohorts in the Genome Aggregation Database (gnomAD). This alteration is expected to result in loss of function by premature protein truncation or nonsense-mediated mRNA decay. As such, this alteration is interpreted as a disease-causing mutation.

Myriad Genetics, Inc.
Classification: Pathogenic for Familial cancer of breast. Last evaluated: 2024-01-25. Review status: criteria provided, single submitter. Criteria: Myriad Autosomal Dominant, Autosomal Recessive and X-Linked Classification Criteria (2023). Collection method: clinical testing. Allele origin: unknown.
Comment: This variant is considered pathogenic. This variant creates a termination codon and is predicted to result in premature protein truncation.

NM_000051.4(ATM):c.5633C>A (p.Ser1878Ter)

Gene: ATM (ATM serine/threonine kinase; plus strand). Cytogenetic location: 11q22.3.
Variant type: single nucleotide variant.
Coding change: c.5633C>A on transcript NM_000051.4 (MANE Select); coding-DNA position 5633, C replaced by A.
Protein change: p.Ser1878Ter; replaces serine 1878 with a stop codon.
Molecular consequence: nonsense.
Genome position (GRCh38, 1-based): chr11:108,304,811, C>A. VCF-style: chr11-108304811-C-A. GRCh37 (hg19) VCF-style: chr11-108175538-C-A.
Other names: c.5633C>A, p.Ser1878Ter (NM_001351834.2); short protein forms S1878*.
Identifiers: ClinVar variation 3148414 (VCV003148414.2), dbSNP rs758908522, ClinGen allele CA382546400.